The following is an entry in ClinVar:

ClinVar aggregate classification (germline): Uncertain significance (1 of 4 stars; one submission).

Conditions:
POLR3C-related disorder. Also called: POLR3C-related condition.

Allele frequency attached by ClinVar (database versions not stated): gnomAD exomes below 0.00001; TOPMed below 0.00001; gnomAD 0.00001; ExAC 0.00002.
gnomAD v4.1: 6 of 1,572,850 alleles (0.00038%); highest among the groups gnomAD compares: Non-Finnish European, 0.00053%; no homozygotes.

Submission:

PreventionGenetics, part of Exact Sciences
Classification: Uncertain significance for POLR3C-related condition. Last evaluated: 2023-09-08. Review status: criteria provided, single submitter. Criteria: ACMG Guidelines, 2015. Collection method: clinical testing. Allele origin: germline.
Comment: The POLR3C c.915+3G>A variant is predicted to interfere with splicing. To our knowledge, this variant has not been reported in the literature. This variant is reported in 0.0018% of alleles in individuals of European (Non-Finnish) descent in gnomAD. At this time, the clinical significance of this variant is uncertain due to the absence of conclusive functional and genetic evidence.

NM_006468.8(POLR3C):c.876+3G>A

Gene: POLR3C (RNA polymerase III subunit C; plus strand). Cytogenetic location: 1q21.1.
Variant type: single nucleotide variant.
Coding change: c.876+3G>A on transcript NM_006468.8 (MANE Select); 3 bases into the intron after coding-DNA position 876, G replaced by A.
Molecular consequence: intron variant.
Genome position (GRCh38, 1-based): chr1:145,833,585, G>A. VCF-style: chr1-145833585-G-A. GRCh37 (hg19) VCF-style: chr1-145601527-C-T.
Other names: c.915+3G>A (NM_001303456.1).
Identifiers: ClinVar variation 2631044 (VCV002631044.1), dbSNP rs782400288, ClinGen allele CA1058959.
Genomic context (GRCh38, chr1:145,833,585, plus strand): 5'-GAGTGAGATTACCACTTCCTCTAGTGCTCCCTTCACCCAGCCATTGTCTTCCAATGAGGT[G>A]AGTTTCATGTTCTTGCACTAACTTTCTGACAGATTCTTGGGTGTTATCAACGTTTATTAT-3'